The following is an entry in ClinVar:

ClinVar aggregate classification (germline): Uncertain significance (1 of 4 stars; one submission).

Conditions:
Inborn genetic diseases. Identifiers: MedGen C0950123, MeSH D030342.

gnomAD v4.1: 1 of 1,613,570 alleles (0.000062%); highest among the groups gnomAD compares: Non-Finnish European, 0.000085%; no homozygotes.

Submission:

Ambry Genetics
Classification: Uncertain significance for Inborn genetic diseases. Last evaluated: 2026-06-02. Review status: criteria provided, single submitter. Criteria: Ambry Variant Classification Scheme 2023. Collection method: clinical testing. Allele origin: germline.
Comment: The p.L867V variant (also known as c.2599C>G), located in coding exon 1 of the SAMD9 gene, results from a C to G substitution at nucleotide position 2599. The leucine at codon 867 is replaced by valine, an amino acid with highly similar properties. This amino acid position is conserved. In addition, this alteration is predicted to be tolerated by in silico analysis. Based on the available evidence, the clinical significance of this variant remains unclear.

NM_017654.4(SAMD9):c.2599C>G (p.Leu867Val)

Gene: SAMD9 (sterile alpha motif domain containing 9; minus strand). Cytogenetic location: 7q21.2.
Variant type: single nucleotide variant.
Coding change: c.2599C>G on transcript NM_017654.4 (MANE Select); coding-DNA position 2599, C replaced by G.
Protein change: p.Leu867Val; replaces leucine 867 with valine.
Molecular consequence: missense variant.
Genome position (GRCh38, 1-based): chr7:93,103,499, G>C on the plus strand (C>G on the coding strand, the complement: SAMD9 is on the minus strand). VCF-style: chr7-93103499-G-C. GRCh37 (hg19) VCF-style: chr7-92732812-G-C.
Other names: c.2599C>G, p.Leu867Val (NM_001193307.2); short protein forms L867V.
Identifiers: ClinVar variation 4863884 (VCV004863884.1).
Genomic context (GRCh38, chr7:93,103,499, plus strand): 5'-TCATAAAGGAATAAAAATCCTCAAAGTTTTTATGCTGTTCTTTGATTTCTTTCAATTTAA[G>C]CTCAAAAGCTCTCTGTTCTTTGGGAGAGAGTTGCTGTATTACGGCAATACTGTCTGGGAT-3'
Protein context (NP_060124.2, residues 857-877): LSPKEQRAFE[Leu867Val]KLKEIKEQHK